The following is an entry in ClinVar:

NM_004525.3(LRP2):c.13800+1G>A

Gene: LRP2 (LDL receptor related protein 2; minus strand). Cytogenetic location: 2q31.1.
Variant type: single nucleotide variant.
Coding change: c.13800+1G>A on transcript NM_004525.3 (MANE Select); the canonical splice donor site of the intron after coding-DNA position 13800, G replaced by A.
Molecular consequence: splice donor variant.
Genome position (GRCh38, 1-based): chr2:169,129,012, C>T on the plus strand (G>A on the coding strand, the complement: LRP2 is on the minus strand). VCF-style: chr2-169129012-C-T. GRCh37 (hg19) VCF-style: chr2-169985522-C-T.
Identifiers: ClinVar variation 1905495 (VCV001905495.6), dbSNP rs1685191857, ClinGen allele CA349149057.
Genomic context (GRCh38, chr2:169,129,012, plus strand): 5'-TAACCAAGCAAATAATTTCTAAGAAAAAATGTCTGTGCTAAGAAAAATTGTTAAAAATTA[C>T]CTGTGCATAGATTGGATTTTCAAAGTTGGTAGTTTGTTTAGATTTTCGTTTGAAGAGATT-3'

ClinVar aggregate classification (germline): Uncertain significance. Review status: criteria provided, multiple submitters, no conflicts (2 of 4 stars). 2 submissions from 2 submitters: Uncertain significance (2). Last evaluated 2022-09-27.

Allele frequency attached by ClinVar (database versions not stated): gnomAD exomes below 0.00001.
gnomAD v4.1: 2 of 1,606,204 alleles (0.00012%); highest among the groups gnomAD compares: African/African-American, 0.0013%; no homozygotes.

Submissions (2):

Labcorp Genetics (formerly Invitae), Labcorp
Classification: Uncertain significance. Last evaluated: 2022-09-27. Review status: criteria provided, single submitter. Criteria: Invitae Variant Classification Sherloc (09022015). Collection method: clinical testing. Allele origin: germline.
Comment: This variant is not present in population databases (gnomAD no frequency). In summary, the available evidence is currently insufficient to determine the role of this variant in disease. Therefore, it has been classified as a Variant of Uncertain Significance. Variants that disrupt the consensus splice site are a relatively common cause of aberrant splicing (PMID: 17576681, 9536098). Algorithms developed to predict the effect of sequence changes on RNA splicing suggest that this variant may disrupt the consensus splice site. This variant has not been reported in the literature in individuals affected with LRP2-related conditions. This sequence change affects a donor splice site in intron 78 of the LRP2 gene. While this variant is not anticipated to result in nonsense mediated decay, it likely alters RNA splicing and results in a disrupted protein product.

Blueprint Genetics
Classification: Uncertain significance. Last evaluated: 2022-05-16. Review status: criteria provided, single submitter. Criteria: ACMG Guidelines, 2015. Collection method: clinical testing. Allele origin: germline.

Literature cited by the submitters: PubMed 17576681 (cited by Labcorp Genetics (formerly Invitae), Labcorp); PubMed 9536098 (cited by Labcorp Genetics (formerly Invitae), Labcorp).